The following is an entry in ClinVar:

NM_012469.4(PRPF6):c.2066A>G (p.Asp689Gly)

Gene: PRPF6 (pre-mRNA processing factor 6; plus strand). Cytogenetic location: 20q13.33.
Variant type: single nucleotide variant.
Coding change: c.2066A>G on transcript NM_012469.4 (MANE Select); coding-DNA position 2066, A replaced by G.
Protein change: p.Asp689Gly; replaces aspartic acid 689 with glycine.
Molecular consequence: missense variant.
Genome position (GRCh38, 1-based): chr20:64,027,019, A>G. VCF-style: chr20-64027019-A-G. GRCh37 (hg19) VCF-style: chr20-62658372-A-G.
Other names: short protein forms D689G.
Identifiers: ClinVar variation 3691285 (VCV003691285.2).

ClinVar aggregate classification (germline): Uncertain significance (1 of 4 stars; one submission).

gnomAD v4.1: 1 of 1,614,016 alleles (0.000062%); highest among the groups gnomAD compares: South Asian, 0.0011%; no homozygotes.

Submission:

Labcorp Genetics (formerly Invitae), Labcorp
Classification: Uncertain significance. Last evaluated: 2024-03-19. Review status: criteria provided, single submitter. Criteria: Invitae Variant Classification Sherloc (09022015). Collection method: clinical testing. Allele origin: germline.
Comment: This sequence change replaces aspartic acid, which is acidic and polar, with glycine, which is neutral and non-polar, at codon 689 of the PRPF6 protein (p.Asp689Gly). This variant is present in population databases (no rsID available, gnomAD 0.003%). This variant has not been reported in the literature in individuals affected with PRPF6-related conditions. Advanced modeling of protein sequence and biophysical properties (such as structural, functional, and spatial information, amino acid conservation, physicochemical variation, residue mobility, and thermodynamic stability) performed at Invitae indicates that this missense variant is not expected to disrupt PRPF6 protein function with a negative predictive value of 80%. In summary, the available evidence is currently insufficient to determine the role of this variant in disease. Therefore, it has been classified as a Variant of Uncertain Significance.